The following is an entry in ClinVar:

ClinVar aggregate classification (germline): Likely pathogenic. Review status: criteria provided, multiple submitters, no conflicts (2 of 4 stars). 2 submissions from 2 submitters: Likely pathogenic (2). Last evaluated 2024-09-15.

Conditions:
Infantile cerebral and cerebellar atrophy with postnatal progressive microcephaly (MSBA). Identifiers: Orphanet 402364, MedGen C3150921, MONDO:0013351, OMIM 613668.

gnomAD v4.1: 1 of 1,593,860 alleles (0.000063%); highest among the groups gnomAD compares: Non-Finnish European, 0.000085%; no homozygotes.

Submissions (2):

Natera, Inc.
Classification: Likely pathogenic for Postnatal progressive microcephaly with seizures and brain atrophy. Last evaluated: 2024-09-15. Review status: criteria provided, single submitter. Criteria: Natera Variant Classification Schema (03/2026). Collection method: clinical testing. Allele origin: germline.
Comment: The c.110C>A variant in MED17 is a nonsense variant predicted to introduce a stop codon at amino acid 37. This variant is expected to result in nonsense mediated decay, truncation, or a dysfunctional protein product. This variant is rare in the general population with a frequency below the threshold expected for the associated phenotype(s). Given the available evidence, this variant is classified as Likely Pathogenic.

Fulgent Genetics
Classification: Likely pathogenic for Infantile cerebral and cerebellar atrophy with postnatal progressive microcephaly. Last evaluated: 2024-03-22. Review status: criteria provided, single submitter. Criteria: ACMG Guidelines, 2015. Collection method: clinical testing. Allele origin: germline.

NM_004268.5(MED17):c.110C>A (p.Ser37Ter)

Gene: MED17 (mediator complex subunit 17; plus strand). Cytogenetic location: 11q21.
Variant type: single nucleotide variant.
Coding change: c.110C>A on transcript NM_004268.5 (MANE Select); coding-DNA position 110, C replaced by A.
Protein change: p.Ser37Ter; replaces serine 37 with a stop codon.
Molecular consequence: nonsense.
Genome position (GRCh38, 1-based): chr11:93,784,623, C>A. VCF-style: chr11-93784623-C-A. GRCh37 (hg19) VCF-style: chr11-93517789-C-A.
Other names: c.110C>A (NM_004268.4); short protein forms S37*.
Identifiers: ClinVar variation 3574123 (VCV003574123.2).